The following is an entry in ClinVar:

ClinVar aggregate classification (germline): Pathogenic. Review status: reviewed by expert panel (3 of 4 stars). 2 submissions from 2 submitters: Pathogenic (1). 1 of the submissions does not count toward it. Last evaluated 2016-09-08.

Conditions:
Breast-ovarian cancer, familial, susceptibility to, 1 (BROVCA1). Also called: BRCA1 Hereditary Breast and Ovarian Cancer; OVARIAN CANCER, SUSCEPTIBILITY TO. Identifiers: Orphanet 145, MedGen C2676676, MONDO:0011450, OMIM 604370. Disease mechanism: loss of function.

Submissions (2):

Evidence-based Network for the Interpretation of Germline Mutant Alleles (ENIGMA)
Classification: Pathogenic for Breast-ovarian cancer, familial, susceptibility to, 1. Last evaluated: 2016-09-08. Review status: reviewed by expert panel. Criteria: ENIGMA BRCA1/2 Classification Criteria (2015). Collection method: curation. Allele origin: germline.
Comment: Variant allele predicted to encode a truncated non-functional protein.

Consortium of Investigators of Modifiers of BRCA1/2 (CIMBA), c/o University of Cambridge
Classification: Pathogenic for Breast-ovarian cancer, familial, susceptibility to, 1. Last evaluated: 2015-10-02. Review status: criteria provided, single submitter. Criteria: CIMBA Mutation Classification guidelines May 2016. Collection method: clinical testing. Allele origin: germline. Not counted in ClinVar's aggregate classification.

NM_007294.4(BRCA1):c.4013del (p.Lys1338fs)

Genes: BRCA1 (BRCA1 DNA repair associated; minus strand), LOC126862571 (BRD4-independent group 4 enhancer GRCh37_chr17:41243136-41244335; plus strand). Cytogenetic location: 17q21.31.
Variant type: Deletion.
Coding change: c.4013del on transcript NM_007294.4 (MANE Select); coding-DNA position 4013, one base deleted (A; older notation c.4013delA).
Protein change: p.Lys1338fs; shifts the reading frame from lysine 1338.
Molecular consequence: frameshift variant. On other transcripts: intron variant (135).
Genome position (GRCh38, 1-based): chr17:43,091,518, T deleted on the plus strand (A on the coding strand, the reverse complement: BRCA1 is on the minus strand); the first of 2 consecutive T bases (chr17:43,091,518-43,091,519); deleting either gives the same sequence. VCF-style (leftmost placement, unchanged base first): chr17-43091517-CT-C. GRCh37 (hg19) VCF-style: chr17-41243534-CT-C.
Other names: c.4013delA (NM_007294.3); c.4010del, p.Lys1337fs (NM_001407629.1, NM_001407630.1, NM_001407631.1 and 22 more transcripts); c.4013del, p.Lys1338fs (NM_001407639.1, NM_001407640.1, NM_001407641.1 and 30 more transcripts); c.4004del, p.Lys1335fs (NM_001407646.1, NM_001407647.1); c.3890del, p.Lys1297fs (NM_001407648.1, NM_001407664.1, NM_001407665.1 and 19 more transcripts); c.3887del, p.Lys1296fs (NM_001407649.1, NM_001407670.1, NM_001407671.1 and 11 more transcripts); c.3935del, p.Lys1312fs (NM_001407653.1, NM_001407654.1, NM_001407655.1 and 4 more transcripts); c.3932del, p.Lys1311fs (NM_001407659.1, NM_001407660.1, NM_001407661.1 and 1 more transcripts); and 42 more; short protein forms K1291fs, K1338fs, K1227fs, K1270fs, K1249fs, K1267fs, K1271fs, K1296fs.
Identifiers: ClinVar variation 254449 (VCV000254449.5), dbSNP rs886038029, ClinGen allele CA10586614.